The following is an entry in ClinVar:

ClinVar aggregate classification (germline): Uncertain significance. Review status: criteria provided, multiple submitters, no conflicts (2 of 4 stars). 2 submissions from 2 submitters: Uncertain significance (2). Last evaluated 2025-04-01.

Conditions:
Leber congenital amaurosis 8 (LCA8). Identifiers: Orphanet 65, MedGen C3151202, MONDO:0013453, OMIM 613835.
Retinitis pigmentosa 12 (RP12). Also called: RP WITH OR WITHOUT PRESERVED PARAARTERIOLE RETINAL PIGMENT EPITHELIUM; RETINITIS PIGMENTOSA WITH OR WITHOUT PARAARTERIOLAR PRESERVATION OF RETINAL PIGMENT EPITHELIUM; RP WITH OR WITHOUT PPRPE. Identifiers: Orphanet 791, MedGen C1838647, MONDO:0010818, OMIM 600105.

gnomAD v4.1: 36 of 1,613,792 alleles (0.0022%); highest among the groups gnomAD compares: Non-Finnish European, 0.003%; no homozygotes.

Submissions (2):

CeGaT Center for Human Genetics Tuebingen
Classification: Uncertain significance. Last evaluated: 2025-04-01. Review status: criteria provided, single submitter. Criteria: CeGaT Center For Human Genetics Tuebingen Variant Classification Criteria Version 2. Collection method: clinical testing. Allele origin: germline. Affected: yes. Observed: 1 variant allele.
Comment: CRB1: PM2

Labcorp Genetics (formerly Invitae), Labcorp
Classification: Uncertain significance for Leber congenital amaurosis 8; Retinitis pigmentosa 12. Last evaluated: 2024-08-30. Review status: criteria provided, single submitter. Criteria: Invitae Variant Classification Sherloc (09022015). Collection method: clinical testing. Allele origin: germline.
Comment: This sequence change replaces valine, which is neutral and non-polar, with leucine, which is neutral and non-polar, at codon 1391 of the CRB1 protein (p.Val1391Leu). This variant is present in population databases (rs758824025, gnomAD 0.005%). This variant has not been reported in the literature in individuals affected with CRB1-related conditions. Invitae Evidence Modeling of protein sequence and biophysical properties (such as structural, functional, and spatial information, amino acid conservation, physicochemical variation, residue mobility, and thermodynamic stability) has been performed for this missense variant. However, the output from this modeling did not meet the statistical confidence thresholds required to predict the impact of this variant on CRB1 protein function. In summary, the available evidence is currently insufficient to determine the role of this variant in disease. Therefore, it has been classified as a Variant of Uncertain Significance.

NM_201253.3(CRB1):c.4171G>C (p.Val1391Leu)

Gene: CRB1 (crumbs cell polarity complex component 1; plus strand). Cytogenetic location: 1q31.3.
Variant type: single nucleotide variant.
Coding change: c.4171G>C on transcript NM_201253.3 (MANE Select); coding-DNA position 4171, G replaced by C.
Protein change: p.Val1391Leu; replaces valine 1391 with leucine.
Molecular consequence: missense variant. On other transcripts: non-coding transcript variant (2).
Genome position (GRCh38, 1-based): chr1:197,477,829, G>C. VCF-style: chr1-197477829-G-C. GRCh37 (hg19) VCF-style: chr1-197446959-G-C.
Other names: c.3835G>C, p.Val1279Leu (NM_001193640.2); c.4099G>C, p.Val1367Leu (NM_001257965.2); c.2563G>C, p.Val855Leu (NM_001257966.2); short protein forms V1279L, V1367L, V1391L, V855L.
Identifiers: ClinVar variation 3761153 (VCV003761153.9).